The following is an entry in ClinVar:

ClinVar aggregate classification (germline): Likely pathogenic. Review status: criteria provided, multiple submitters, no conflicts (2 of 4 stars). 2 submissions from 2 submitters: Likely pathogenic (2). Last evaluated 2024-08-23.

Submissions (2):

Labcorp Genetics (formerly Invitae), Labcorp
Classification: Likely pathogenic. Last evaluated: 2024-08-23. Review status: criteria provided, single submitter. Criteria: Invitae Variant Classification Sherloc (09022015). Collection method: clinical testing. Allele origin: germline.
Comment: This sequence change affects an acceptor splice site in intron 5 of the COL2A1 gene. It is expected to disrupt RNA splicing. Variants that disrupt the donor or acceptor splice site typically lead to a loss of protein function (PMID: 16199547), and loss-of-function variants in COL2A1 are known to be pathogenic (PMID: 20179744). This variant is not present in population databases (gnomAD no frequency). Disruption of this splice site has been observed in individual(s) with clinical features of COL2A1-related conditions (PMID: 34958143; internal data). ClinVar contains an entry for this variant (Variation ID: 1013350). Algorithms developed to predict the effect of sequence changes on RNA splicing suggest that this variant may disrupt the consensus splice site. In summary, the currently available evidence indicates that the variant is pathogenic, but additional data are needed to prove that conclusively. Therefore, this variant has been classified as Likely Pathogenic.

CeGaT Center for Human Genetics Tuebingen
Classification: Likely pathogenic. Last evaluated: 2020-08-01. Review status: criteria provided, single submitter. Criteria: CeGaT Center For Human Genetics Tuebingen Variant Classification Criteria Version 2. Collection method: clinical testing. Allele origin: germline. Affected: yes. Observed: 1 variant allele.

Literature cited by the submitters: PubMed 16199547 (cited by Labcorp Genetics (formerly Invitae), Labcorp); PubMed 20179744 (cited by Labcorp Genetics (formerly Invitae), Labcorp); PubMed 34958143 (cited by Labcorp Genetics (formerly Invitae), Labcorp).

NM_001844.5(COL2A1):c.376-1G>A

Gene: COL2A1 (collagen type II alpha 1 chain; minus strand). Cytogenetic location: 12q13.11.
Variant type: single nucleotide variant.
Coding change: c.376-1G>A on transcript NM_001844.5 (MANE Select); the canonical splice acceptor site of the intron before coding-DNA position 376, G replaced by A.
Molecular consequence: splice acceptor variant.
Genome position (GRCh38, 1-based): chr12:47,997,925, C>T on the plus strand (G>A on the coding strand, the complement: COL2A1 is on the minus strand). VCF-style: chr12-47997925-C-T. GRCh37 (hg19) VCF-style: chr12-48391708-C-T.
Other names: c.169-1G>A (NM_033150.3).
Identifiers: ClinVar variation 1013350 (VCV001013350.40), dbSNP rs1940039533, ClinGen allele CA384525055.
Genomic context (GRCh38, chr12:47,997,925, plus strand): 5'-ACTCACTTTTTCACCTTTGTCACCACGATCCCCTCTGGGTCCTTGTTCCCCTGCAGGTCC[C>T]TGAAGGTGAAGAACATGGTAAGATGACAGCAAGGCCAGGAGCCTGCAGATCAGTAACTTG-3'